The following is an entry in ClinVar:

ClinVar aggregate classification (germline): Uncertain significance. Review status: criteria provided, multiple submitters, no conflicts (2 of 4 stars). 2 submissions from 2 submitters: Uncertain significance (2). Last evaluated 2025-08-04.

Conditions:
Emery-Dreifuss muscular dystrophy 5, autosomal dominant (EDMD5). Also called: EMERY-DREIFUSS MUSCULAR DYSTROPHY 5. Identifiers: Orphanet 261, MedGen C2751805, MONDO:0013072, OMIM 612999.

Allele frequency attached by ClinVar (database versions not stated): gnomAD 0.00001; ExAC 0.00002; gnomAD exomes 0.00002; TOPMed 0.00003.
gnomAD v4.1: 74 of 1,613,946 alleles (0.0046%); highest among the groups gnomAD compares: Non-Finnish European, 0.0054%; no homozygotes.

Submissions (2):

Ambry Genetics
Classification: Uncertain significance. Last evaluated: 2025-08-04. Review status: criteria provided, single submitter. Criteria: Ambry Variant Classification Scheme 2023. Collection method: clinical testing. Allele origin: germline.

Labcorp Genetics (formerly Invitae), Labcorp
Classification: Uncertain significance for Emery-Dreifuss muscular dystrophy 5, autosomal dominant. Last evaluated: 2025-01-20. Review status: criteria provided, single submitter. Criteria: Invitae Variant Classification Sherloc (09022015). Collection method: clinical testing. Allele origin: germline.
Comment: This sequence change replaces proline, which is neutral and non-polar, with leucine, which is neutral and non-polar, at codon 6530 of the SYNE2 protein (p.Pro6530Leu). This variant is present in population databases (rs750341136, gnomAD 0.006%). This variant has not been reported in the literature in individuals affected with SYNE2-related conditions. ClinVar contains an entry for this variant (Variation ID: 1025914). An algorithm developed to predict the effect of missense changes on protein structure and function (PolyPhen-2) suggests that this variant is likely to be tolerated. In summary, the available evidence is currently insufficient to determine the role of this variant in disease. Therefore, it has been classified as a Variant of Uncertain Significance.

NM_182914.3(SYNE2):c.19589C>T (p.Pro6530Leu)

Gene: SYNE2 (spectrin repeat containing nuclear envelope protein 2; plus strand). Cytogenetic location: 14q23.2.
Variant type: single nucleotide variant.
Coding change: c.19589C>T on transcript NM_182914.3 (MANE Select); coding-DNA position 19589, C replaced by T.
Protein change: p.Pro6530Leu; replaces proline 6530 with leucine.
Molecular consequence: missense variant.
Genome position (GRCh38, 1-based): chr14:64,218,444, C>T. VCF-style: chr14-64218444-C-T. GRCh37 (hg19) VCF-style: chr14-64685162-C-T.
Other names: c.19520C>T, p.Pro6507Leu (NM_015180.6); c.113C>T, p.Pro38Leu (NM_182910.2); c.491C>T, p.Pro164Leu (NM_182913.4); c.19589C>T (NM_182914.2); short protein forms P164L, P38L, P6507L, P6530L.
Identifiers: ClinVar variation 1025914 (VCV001025914.9), dbSNP rs750341136, ClinGen allele CA7224508.